The following is an entry in ClinVar:

NM_001395413.1(POR):c.1962G>C (p.Glu654Asp)

Gene: POR (cytochrome p450 oxidoreductase; plus strand). Cytogenetic location: 7q11.23.
Variant type: single nucleotide variant.
Coding change: c.1962G>C on transcript NM_001395413.1 (MANE Select); coding-DNA position 1962, G replaced by C.
Protein change: p.Glu654Asp; replaces glutamic acid 654 with aspartic acid.
Molecular consequence: missense variant.
Genome position (GRCh38, 1-based): chr7:75,986,409, G>C. VCF-style: chr7-75986409-G-C. GRCh37 (hg19) VCF-style: chr7-75615727-G-C.
Other names: c.1971G>C (NM_000941.2); c.1962G>C, p.Glu654Asp (NM_001367562.3, NM_001382657.2, NM_001382658.3 and 1 more transcripts); c.2016G>C, p.Glu672Asp (NM_001382655.3); c.1812G>C, p.Glu604Asp (NM_001382662.3); short protein forms E604D, E654D, E672D.
Identifiers: ClinVar variation 1398037 (VCV001398037.4), dbSNP rs371420725, ClinGen allele CA160910415.

ClinVar aggregate classification (germline): Uncertain significance. Review status: criteria provided, multiple submitters, no conflicts (2 of 4 stars). 2 submissions from 2 submitters: Uncertain significance (2). Last evaluated 2021-10-10.

Conditions:
Congenital adrenal hyperplasia due to cytochrome P450 oxidoreductase deficiency. Also called: DISORDERED STEROIDOGENESIS DUE TO POR DEFICIENCY. Identifiers: Orphanet 95699, MedGen C1860042, MONDO:0013310, OMIM 613571.
Inborn genetic diseases. Identifiers: MedGen C0950123, MeSH D030342.

Allele frequency attached by ClinVar (database versions not stated): gnomAD 0.00001; gnomAD exomes 0.00002; TOPMed 0.00002; ESP Exome Variant Server 0.00008.
gnomAD v4.1: 64 of 1,612,454 alleles (0.004%); highest among the groups gnomAD compares: Non-Finnish European, 0.0052%; no homozygotes.

Submissions (2):

Labcorp Genetics (formerly Invitae), Labcorp
Classification: Uncertain significance for Congenital adrenal hyperplasia due to cytochrome P450 oxidoreductase deficiency. Last evaluated: 2021-10-10. Review status: criteria provided, single submitter. Criteria: Invitae Variant Classification Sherloc (09022015). Collection method: clinical testing. Allele origin: germline.
Comment: This sequence change replaces glutamic acid with aspartic acid at codon 657 of the POR protein (p.Glu657Asp). The glutamic acid residue is moderately conserved and there is a small physicochemical difference between glutamic acid and aspartic acid. This variant is not present in population databases (ExAC no frequency). This variant has not been reported in the literature in individuals affected with POR-related conditions. Algorithms developed to predict the effect of missense changes on protein structure and function (SIFT, PolyPhen-2, Align-GVGD) all suggest that this variant is likely to be tolerated. In summary, the available evidence is currently insufficient to determine the role of this variant in disease. Therefore, it has been classified as a Variant of Uncertain Significance.

Ambry Genetics
Classification: Uncertain significance for Inborn genetic diseases. Last evaluated: 2021-08-13. Review status: criteria provided, single submitter. Criteria: Ambry Variant Classification Scheme 2023. Collection method: clinical testing. Allele origin: germline.